The following is an entry in ClinVar:

NM_017763.6(RNF43):c.1976G>C (p.Gly659Ala)

Gene: RNF43 (ring finger protein 43; minus strand). Cytogenetic location: 17q22.
Variant type: single nucleotide variant.
Coding change: c.1976G>C on transcript NM_017763.6 (MANE Select); coding-DNA position 1976, G replaced by C.
Protein change: p.Gly659Ala; replaces glycine 659 with alanine.
Molecular consequence: missense variant.
Genome position (GRCh38, 1-based): chr17:58,357,800, C>G on the plus strand (G>C on the coding strand, the complement: RNF43 is on the minus strand). VCF-style: chr17-58357800-C-G. GRCh37 (hg19) VCF-style: chr17-56435161-C-G.
Other names: p.Gly659Ala; c.1976G>C, p.Gly659Ala (NM_001305544.3); c.1595G>C, p.Gly532Ala (NM_001305545.2); short protein forms G659A, G532A.
Identifiers: ClinVar variation 2148373 (VCV002148373.8), dbSNP rs769970658, ClinGen allele CA8673082.

ClinVar aggregate classification (germline): Conflicting classifications of pathogenicity. Review status: criteria provided, conflicting classifications (1 of 4 stars). 5 submissions from 5 submitters: Uncertain significance (4); Likely benign (1). Last evaluated 2026-01-27.

Conditions:
Sessile serrated polyposis cancer syndrome (SSPCS). Identifiers: Orphanet 157798, MedGen C4310714, MONDO:0014919, OMIM 617108.

Allele frequency attached by ClinVar (database versions not stated): ExAC 0.00003.
gnomAD v4.1: 35 of 1,613,658 alleles (0.0022%); highest among the groups gnomAD compares: Middle Eastern, 0.05%; no homozygotes.

Submissions (5):

Labcorp Genetics (formerly Invitae), Labcorp
Classification: Uncertain significance. Last evaluated: 2026-01-27. Review status: criteria provided, single submitter. Criteria: Invitae Variant Classification Sherloc (09022015). Collection method: clinical testing. Allele origin: germline.
Comment: This sequence change replaces glycine, which is neutral and non-polar, with alanine, which is neutral and non-polar, at codon 659 of the RNF43 protein (p.Gly659Ala). This variant is present in population databases (rs769970658, gnomAD 0.004%). This variant has not been reported in the literature in individuals affected with RNF43-related conditions. ClinVar contains an entry for this variant (Variation ID: 2148373). An algorithm developed to predict the effect of missense changes on protein structure and function (PolyPhen-2) suggests that this variant is likely to be tolerated. In summary, the available evidence is currently insufficient to determine the role of this variant in disease. Therefore, it has been classified as a Variant of Uncertain Significance.

Ambry Genetics
Classification: Likely benign. Last evaluated: 2024-12-12. Review status: criteria provided, single submitter. Criteria: Ambry Variant Classification Scheme 2023. Collection method: clinical testing. Allele origin: germline.

GeneDx
Classification: Uncertain significance. Last evaluated: 2024-07-12. Review status: criteria provided, single submitter. Criteria: GeneDx Variant Classification Process June 2021. Collection method: clinical testing. Allele origin: germline. Affected: yes.
Comment: Not observed at significant frequency in large population cohorts (gnomAD); In silico analysis indicates that this missense variant does not alter protein structure/function; Has not been previously published as pathogenic or benign to our knowledge; Variants in candidate genes are classified as variants of uncertain significance in accordance with ACMG guidelines (PMID: 25741868)

Mayo Clinic Laboratories, Mayo Clinic
Classification: Uncertain significance. Last evaluated: 2024-05-03. Review status: criteria provided, single submitter. Criteria: ACMG Guidelines, 2015. Collection method: clinical testing. Allele origin: germline. Observed: 1 variant allele.
Comment: BP4, PM2

Fulgent Genetics
Classification: Uncertain significance for Sessile serrated polyposis cancer syndrome. Last evaluated: 2024-03-19. Review status: criteria provided, single submitter. Criteria: ACMG Guidelines, 2015. Collection method: clinical testing. Allele origin: germline.